The following is an entry in ClinVar:

ClinVar aggregate classification (germline): Conflicting classifications of pathogenicity. Review status: criteria provided, conflicting classifications (1 of 4 stars). 3 submissions from 3 submitters: Uncertain significance (1); Likely benign (2). Last evaluated 2024-10-18.

Conditions:
Autosomal dominant nonsyndromic hearing loss 56. Also called: Deafness, autosomal dominant 56. Identifiers: Orphanet 90635, MedGen C3810170, MONDO:0014283, OMIM 615629.

Allele frequency attached by ClinVar (database versions not stated): gnomAD 0.00009; gnomAD exomes 0.00011; ExAC 0.00012; TOPMed 0.00012; ESP Exome Variant Server 0.00015.
gnomAD v4.1: 166 of 1,613,940 alleles (0.01%); highest among the groups gnomAD compares: Middle Eastern, 0.082%; no homozygotes.

Submissions (3):

Blueprint Genetics
Classification: Likely benign. Last evaluated: 2024-10-18. Review status: criteria provided, single submitter. Criteria: ACMG Guidelines, 2015. Collection method: clinical testing. Allele origin: germline.

CeGaT Center for Human Genetics Tuebingen
Classification: Likely benign. Last evaluated: 2023-11-01. Review status: criteria provided, single submitter. Criteria: CeGaT Center For Human Genetics Tuebingen Variant Classification Criteria Version 2. Collection method: clinical testing. Allele origin: germline. Affected: yes. Observed: 1 variant allele.
Comment: TNC: BS2

Juno Genomics, Hangzhou Juno Genomics, Inc
Classification: Uncertain significance for Autosomal dominant nonsyndromic hearing loss 56. Review status: criteria provided, single submitter. Criteria: ACMG Guidelines, 2015. Collection method: clinical testing. Allele origin: germline. Affected: yes.
Comment: Absent from controls (or at extremely low frequency if recessive) in Genome Aggregation Database, Exome Sequencing Project, 1000 Genomes Project, or Exome Aggregation Consortium.

NM_002160.4(TNC):c.5978C>T (p.Thr1993Met)

Gene: TNC (tenascin C; minus strand). Cytogenetic location: 9q33.1.
Variant type: single nucleotide variant.
Coding change: c.5978C>T on transcript NM_002160.4 (MANE Select); coding-DNA position 5978, C replaced by T.
Protein change: p.Thr1993Met; replaces threonine 1993 with methionine.
Molecular consequence: missense variant.
Genome position (GRCh38, 1-based): chr9:115,030,348, G>A on the plus strand (C>T on the coding strand, the complement: TNC is on the minus strand). VCF-style: chr9-115030348-G-A. GRCh37 (hg19) VCF-style: chr9-117792627-G-A.
Other names: c.5978C>T (NM_002160.3); c.5432C>T, p.Thr1811Met (NM_001410991.1); short protein forms T1811M, T1993M.
Identifiers: ClinVar variation 2673188 (VCV002673188.26), dbSNP rs373428721, ClinGen allele CA5207487.